The following is an entry in ClinVar:

NM_005591.4(MRE11):c.1844C>A (p.Ser615Tyr)

Gene: MRE11 (MRE11 double strand break repair nuclease; minus strand). Cytogenetic location: 11q21.
Variant type: single nucleotide variant.
Coding change: c.1844C>A on transcript NM_005591.4 (MANE Select); coding-DNA position 1844, C replaced by A.
Protein change: p.Ser615Tyr; replaces serine 615 with tyrosine.
Molecular consequence: missense variant. On other transcripts: intron variant (6).
Genome position (GRCh38, 1-based): chr11:94,445,833, G>T on the plus strand (C>A on the coding strand, the complement: MRE11 is on the minus strand). VCF-style: chr11-94445833-G-T. GRCh37 (hg19) VCF-style: chr11-94178999-G-T.
Other names: c.1781C>A, p.Ser594Tyr (NM_001440467.1, NM_001440468.1, NM_001440469.1); c.1778C>A, p.Ser593Tyr (NM_001440470.1); c.1769C>A, p.Ser590Tyr (NM_001440471.1); c.1766C>A, p.Ser589Tyr (NM_001440472.1); c.1763C>A, p.Ser588Tyr (NM_001440473.1); c.1760C>A, p.Ser587Tyr (NM_001440477.1, NM_001440478.1); c.1783+1386C>A (NM_001440476.1, NM_001440474.1, NM_001440475.1 and 2 more transcripts); c.1720+1386C>A (NM_001440481.1); and 6 more; short protein forms S500Y, S590Y, S594Y, S615Y, S588Y, S593Y, S459Y, S499Y.
Identifiers: ClinVar variation 4110071 (VCV004110071.1).

ClinVar aggregate classification (germline): Uncertain significance (1 of 4 stars; one submission).

Conditions:
Hereditary cancer-predisposing syndrome. Also called: Tumor predisposition; Neoplastic Syndromes, Hereditary; Hereditary neoplastic syndrome; Hereditary Cancer Syndrome. Identifiers: Orphanet 140162, MedGen C0027672, MeSH D009386, MONDO:0015356.

Submission:

Ambry Genetics
Classification: Uncertain significance for Hereditary cancer-predisposing syndrome. Last evaluated: 2025-06-19. Review status: criteria provided, single submitter. Criteria: Ambry Variant Classification Scheme 2023. Collection method: clinical testing. Allele origin: germline.
Comment: The p.S615Y variant (also known as c.1844C>A), located in coding exon 15 of the MRE11A gene, results from a C to A substitution at nucleotide position 1844. The serine at codon 615 is replaced by tyrosine, an amino acid with dissimilar properties. This amino acid position is conserved. In addition, this alteration is predicted to be tolerated by in silico analysis. Based on the available evidence, the clinical significance of this variant remains unclear.